The following is an entry in ClinVar:

ClinVar aggregate classification (germline): Uncertain significance. Review status: criteria provided, multiple submitters, no conflicts (2 of 4 stars). 2 submissions from 2 submitters: Uncertain significance (2). Last evaluated 2024-05-31.

gnomAD v4.1: 1 of 1,614,034 alleles (0.000062%); highest among the groups gnomAD compares: South Asian, 0.0011%; no homozygotes.

Submissions (2):

GeneDx
Classification: Uncertain significance. Last evaluated: 2024-05-31. Review status: criteria provided, single submitter. Criteria: GeneDx Variant Classification Process June 2021. Collection method: clinical testing. Allele origin: germline. Affected: yes.
Comment: Not observed at significant frequency in large population cohorts (gnomAD); In silico analysis supports that this missense variant has a deleterious effect on protein structure/function; Has not been previously published as pathogenic or benign to our knowledge

Blueprint Genetics
Classification: Uncertain significance. Last evaluated: 2024-05-16. Review status: criteria provided, single submitter. Criteria: ACMG Guidelines, 2015. Collection method: clinical testing. Allele origin: germline.

NM_173076.3(ABCA12):c.6602T>C (p.Phe2201Ser)

Genes: ABCA12 (ATP binding cassette subfamily A member 12; minus strand), SNHG31 (small nucleolar RNA host gene 31; plus strand). Cytogenetic location: 2q35.
Variant type: single nucleotide variant.
Coding change: c.6602T>C on transcript NM_173076.3 (MANE Select); coding-DNA position 6602, T replaced by C.
Protein change: p.Phe2201Ser; replaces phenylalanine 2201 with serine.
Molecular consequence: missense variant. On other transcripts: non-coding transcript variant (1).
Genome position (GRCh38, 1-based): chr2:214,953,899, A>G on the plus strand (T>C on the coding strand, the complement: ABCA12 is on the minus strand). VCF-style: chr2-214953899-A-G. GRCh37 (hg19) VCF-style: chr2-215818623-A-G.
Other names: c.5648T>C, p.Phe1883Ser (NM_015657.4); short protein forms F1883S, F2201S.
Identifiers: ClinVar variation 3383898 (VCV003383898.2).